The following is an entry in ClinVar:

ClinVar aggregate classification (germline): Uncertain significance (1 of 4 stars; one submission).

Conditions:
Familial cold autoinflammatory syndrome 2 (FCAS2). Identifiers: Orphanet 247868, MedGen C2673198, MONDO:0012724, OMIM 611762.

Submission:

Labcorp Genetics (formerly Invitae), Labcorp
Classification: Uncertain significance for Familial cold autoinflammatory syndrome 2. Last evaluated: 2019-05-25. Review status: criteria provided, single submitter. Criteria: Invitae Variant Classification Sherloc (09022015). Collection method: clinical testing. Allele origin: germline.
Comment: This variant is a gross deletion of the genomic region encompassing exon 1 of the NLRP12 gene, which includes the initiator codon. The 5' end of this event is unknown as it extends beyond the assayed region for this gene and therefore may encompass additional genes. The 3' boundary is likely confined to intron 1 of the NLRP12 gene. This is expected to result in an absent or disrupted protein product. This variant has not been reported in the literature in individuals with NLRP12-related conditions. The current clinical and genetic evidence is not sufficient to establish whether loss-of-function variants in NLRP12 cause disease. In summary, the available evidence is currently insufficient to determine the role of this variant in disease. Therefore, it has been classified as a Variant of Uncertain Significance.

NC_000019.10:g.(?_53823866)_(53824194_?)del

Gene: NLRP12 (NLR family pyrin domain containing 12; minus strand). Cytogenetic location: 19q13.42.
Variant type: Deletion.
Identifiers: ClinVar variation 830610 (VCV000830610.2).